The following is an entry in ClinVar:

ClinVar aggregate classification (germline): Likely pathogenic (1 of 4 stars; one submission).

Submission:

Labcorp Genetics (formerly Invitae), Labcorp
Classification: Likely pathogenic. Last evaluated: 2023-06-20. Review status: criteria provided, single submitter. Criteria: Invitae Variant Classification Sherloc (09022015). Collection method: clinical testing. Allele origin: germline.
Comment: This sequence change replaces tryptophan, which is neutral and slightly polar, with leucine, which is neutral and non-polar, at codon 3130 of the USH2A protein (p.Trp3130Leu). This variant is not present in population databases (gnomAD no frequency). This missense change has been observed in individual(s) with USH2A-related conditions (PMID: 29912909; Invitae). In at least one individual the data is consistent with being in trans (on the opposite chromosome) from a pathogenic variant. ClinVar contains an entry for this variant (Variation ID: 2151915). Advanced modeling of protein sequence and biophysical properties (such as structural, functional, and spatial information, amino acid conservation, physicochemical variation, residue mobility, and thermodynamic stability) has been performed at Invitae for this missense variant, however the output from this modeling did not meet the statistical confidence thresholds required to predict the impact of this variant on USH2A protein function. This variant disrupts the p.Trp3130 amino acid residue in USH2A. Other variant(s) that disrupt this residue have been determined to be pathogenic (PMID: 34203967). This suggests that this residue is clinically significant, and that variants that disrupt this residue are likely to be disease-causing. In summary, the currently available evidence indicates that the variant is pathogenic, but additional data are needed to prove that conclusively. Therefore, this variant has been classified as Likely Pathogenic.

Literature cited by the submitters: PubMed 29912909; PubMed 34203967.

NM_206933.4(USH2A):c.9389G>T (p.Trp3130Leu)

Gene: USH2A (usherin; minus strand). Cytogenetic location: 1q41.
Variant type: single nucleotide variant.
Coding change: c.9389G>T on transcript NM_206933.4 (MANE Select); coding-DNA position 9389, G replaced by T.
Protein change: p.Trp3130Leu; replaces tryptophan 3130 with leucine.
Molecular consequence: missense variant.
Genome position (GRCh38, 1-based): chr1:215,817,178, C>A on the plus strand (G>T on the coding strand, the complement: USH2A is on the minus strand). VCF-style: chr1-215817178-C-A. GRCh37 (hg19) VCF-style: chr1-215990520-C-A.
Other names: short protein forms W3130L.
Identifiers: ClinVar variation 2151915 (VCV002151915.4), dbSNP rs2464521243, ClinGen allele CA344825412.